The following is an entry in ClinVar:

NM_147686.4(TRAF3IP2):c.758C>G (p.Pro253Arg)

Genes: TRAF3IP2-AS1 (TRAF3IP2 antisense RNA 1; plus strand), TRAF3IP2 (TRAF3 interacting protein 2; minus strand), LOC114803478 (TRAF3IP2 eExon liver enhancer; plus strand). Cytogenetic location: 6q21.
Variant type: single nucleotide variant.
Coding change: c.758C>G on transcript NM_147686.4 (MANE Select); coding-DNA position 758, C replaced by G.
Protein change: p.Pro253Arg; replaces proline 253 with arginine.
Molecular consequence: missense variant.
Genome position (GRCh38, 1-based): chr6:111,591,329, G>C on the plus strand (C>G on the coding strand, the complement: TRAF3IP2 is on the minus strand). VCF-style: chr6-111591329-G-C. GRCh37 (hg19) VCF-style: chr6-111912532-G-C.
Other names: c.758C>G (NM_147686.2); c.758C>G, p.Pro253Arg (NM_001164281.3); c.785C>G, p.Pro262Arg (NM_147200.3); short protein forms P253R, P262R.
Identifiers: ClinVar variation 541098 (VCV000541098.10), dbSNP rs146627823, ClinGen allele CA3963270.
Genomic context (GRCh38, chr6:111,591,329, plus strand): 5'-TGATCGGGACTTCCAGGACAATGGTAATGATAGTTCCATGGAGCATGTGGGGAAAGATTG[G>C]GAGGCAGCATCTGTGCACATGCTGGATACCTCTGAGGTTCAAACTGAGGGAACTCCCTGG-3'
Protein context (NP_679211.2, residues 243-263): RYPACAQMLP[Pro253Arg]NLSPHAPWNY

ClinVar aggregate classification (germline): Uncertain significance. Review status: criteria provided, multiple submitters, no conflicts (2 of 4 stars). 2 submissions from 2 submitters: Uncertain significance (2). Last evaluated 2025-08-08.

Conditions:
Candidiasis, familial, 8 (CANDF8). Identifiers: Orphanet 1334, MedGen C3714992, MONDO:0014230, OMIM 615527.

Allele frequency attached by ClinVar (database versions not stated): TOPMed 0.00009; gnomAD 0.00010; ESP Exome Variant Server 0.00015; gnomAD exomes 0.00018 and 0.00021; ExAC 0.00025; 1000 Genomes Project 30x 0.00031; 1000 Genomes Project 0.00040.
gnomAD v4.1: 256 of 1,519,800 alleles (0.017%); highest among the groups gnomAD compares: Admixed American, 0.034%; no homozygotes.

Submissions (2):

Ambry Genetics
Classification: Uncertain significance. Last evaluated: 2025-08-08. Review status: criteria provided, single submitter. Criteria: Ambry Variant Classification Scheme 2023. Collection method: clinical testing. Allele origin: germline.

Labcorp Genetics (formerly Invitae), Labcorp
Classification: Uncertain significance for Candidiasis, familial, 8. Last evaluated: 2022-07-18. Review status: criteria provided, single submitter. Criteria: Invitae Variant Classification Sherloc (09022015). Collection method: clinical testing. Allele origin: germline.
Comment: This sequence change replaces proline, which is neutral and non-polar, with arginine, which is basic and polar, at codon 253 of the TRAF3IP2 protein (p.Pro253Arg). This variant is present in population databases (rs146627823, gnomAD 0.03%). This variant has not been reported in the literature in individuals affected with TRAF3IP2-related conditions. ClinVar contains an entry for this variant (Variation ID: 541098). Algorithms developed to predict the effect of missense changes on protein structure and function are either unavailable or do not agree on the potential impact of this missense change (SIFT: "Deleterious"; PolyPhen-2: "Possibly Damaging"; Align-GVGD: "Class C0"). In summary, the available evidence is currently insufficient to determine the role of this variant in disease. Therefore, it has been classified as a Variant of Uncertain Significance.